The following is an entry in ClinVar:

ClinVar aggregate classification (germline): Uncertain significance. Review status: criteria provided, multiple submitters, no conflicts (2 of 4 stars). 4 submissions from 4 submitters: Uncertain significance (4). Last evaluated 2025-07-27.

Conditions:
Familial adenomatous polyposis 1 (FAP1). Also called: FAMILIAL ADENOMATOUS POLYPOSIS 1, ATTENUATED; POLYPOSIS, ADENOMATOUS INTESTINAL. Identifiers: MedGen C2713442, MONDO:0021056, OMIM 175100. Disease mechanism: loss of function.
Classic or attenuated familial adenomatous polyposis. Identifiers: MedGen CN372698, MONDO:0021057.
Hereditary cancer-predisposing syndrome. Also called: Neoplastic Syndromes, Hereditary; Hereditary Cancer Syndrome; Tumor predisposition; Hereditary neoplastic syndrome. Identifiers: Orphanet 140162, MedGen C0027672, MeSH D009386, MONDO:0015356.

Allele frequency attached by ClinVar (database versions not stated): gnomAD exomes below 0.00001; gnomAD 0.00002; TOPMed 0.00002.
gnomAD v4.1: 4 of 1,613,990 alleles (0.00025%); highest among the groups gnomAD compares: African/African-American, 0.0053%; no homozygotes.

Submissions (4):

Labcorp Genetics (formerly Invitae), Labcorp
Classification: Uncertain significance for Familial adenomatous polyposis 1. Last evaluated: 2025-07-27. Review status: criteria provided, single submitter. Criteria: Invitae Variant Classification Sherloc (09022015). Collection method: clinical testing. Allele origin: germline.
Comment: This sequence change replaces aspartic acid, which is acidic and polar, with valine, which is neutral and non-polar, at codon 1484 of the APC protein (p.Asp1484Val). This variant is present in population databases (no rsID available, gnomAD 0.01%). This variant has not been reported in the literature in individuals affected with APC-related conditions. ClinVar contains an entry for this variant (Variation ID: 582757). Invitae Evidence Modeling of protein sequence and biophysical properties (such as structural, functional, and spatial information, amino acid conservation, physicochemical variation, residue mobility, and thermodynamic stability) indicates that this missense variant is not expected to disrupt APC protein function with a negative predictive value of 95%. In summary, the available evidence is currently insufficient to determine the role of this variant in disease. Therefore, it has been classified as a Variant of Uncertain Significance.

Ambry Genetics
Classification: Uncertain significance for Hereditary cancer-predisposing syndrome. Last evaluated: 2024-11-15. Review status: criteria provided, single submitter. Criteria: Ambry Variant Classification Scheme 2023. Collection method: clinical testing. Allele origin: germline.
Comment: The p.D1484V variant (also known as c.4451A>T), located in coding exon 15 of the APC gene, results from an A to T substitution at nucleotide position 4451. The aspartic acid at codon 1484 is replaced by valine, an amino acid with highly dissimilar properties. This amino acid position is well conserved in available vertebrate species. In addition, in silico predictors for this gene do not accurately predict pathogenicity. Missense alterations in APC are not a common cause of disease (Spier I et al. Genet Med. 2024 Feb;26(2):100992). Based on the available evidence, the clinical significance of this variant remains unclear.

All of Us Research Program, National Institutes of Health
Classification: Uncertain significance for Classic or attenuated familial adenomatous polyposis. Last evaluated: 2023-12-13. Review status: criteria provided, single submitter. Criteria: ACMG Guidelines, 2015. Collection method: clinical testing. Allele origin: germline. Inheritance: Autosomal dominant inheritance. Observed: 1 variant allele, 1 heterozygote.
Comment: This missense variant replaces aspartic acid with valine at codon 1484 of the APC protein. Computational prediction is inconclusive regarding the impact of this variant on protein structure and function (internally defined REVEL score threshold 0.5 < inconclusive < 0.7, PMID: 27666373). To our knowledge, functional studies have not been reported for this variant. This variant has not been reported in individuals affected with APC-related disorders in the literature. This variant has been identified in 1/31400 chromosomes in the general population by the Genome Aggregation Database (gnomAD). The available evidence is insufficient to determine the role of this variant in disease conclusively. Therefore, this variant is classified as a Variant of Uncertain Significance.

This study involves interpretation of variants in research participants for the purpose of population health screening. Participant phenotype was not available at the time of variant classification. Additional details can be found in publication PMID: 35346344, PMCID: PMC8962531

GeneDx
Classification: Uncertain significance. Last evaluated: 2023-03-21. Review status: criteria provided, single submitter. Criteria: GeneDx Variant Classification Process June 2021. Collection method: clinical testing. Allele origin: germline. Affected: yes.
Comment: Not observed at significant frequency in large population cohorts (gnomAD); In silico analysis supports that this missense variant has a deleterious effect on protein structure/function; Has not been previously published as pathogenic or benign to our knowledge; This variant is associated with the following publications: (PMID: 18199528)

NM_000038.6(APC):c.4451A>T (p.Asp1484Val)

Gene: APC (APC regulator of Wnt signaling pathway; plus strand). Cytogenetic location: 5q22.2.
Variant type: single nucleotide variant.
Coding change: c.4451A>T on transcript NM_000038.6 (MANE Select); coding-DNA position 4451, A replaced by T.
Protein change: p.Asp1484Val; replaces aspartic acid 1484 with valine.
Molecular consequence: missense variant.
Genome position (GRCh38, 1-based): chr5:112,840,045, A>T. VCF-style: chr5-112840045-A-T. GRCh37 (hg19) VCF-style: chr5-112175742-A-T.
Other names: c.4451A>T, p.Asp1484Val (NM_001127510.3, NM_001354895.2); c.4397A>T, p.Asp1466Val (NM_001127511.3); c.4505A>T, p.Asp1502Val (NM_001354896.2); c.4481A>T, p.Asp1494Val (NM_001354897.2); c.4376A>T, p.Asp1459Val (NM_001354898.2); c.4367A>T, p.Asp1456Val (NM_001354899.2); c.4328A>T, p.Asp1443Val (NM_001354900.2); c.4274A>T, p.Asp1425Val (NM_001354901.2); and 5 more; short protein forms D1466V, D1484V, D1201V, D1324V, D1383V, D1443V, D1459V, D1502V.
Identifiers: ClinVar variation 582757 (VCV000582757.17), dbSNP rs895694427, ClinGen allele CA16031074.